The following is an entry in ClinVar:

NM_006397.3(RNASEH2A):c.4G>T (p.Asp2Tyr)

Genes: RNASEH2A (ribonuclease H2 subunit A; plus strand), LOC117038795 (CRISPRi-FlowFISH-validated PRDX2 regulatory element 4; plus strand). Cytogenetic location: 19p13.13.
Variant type: single nucleotide variant.
Coding change: c.4G>T on transcript NM_006397.3 (MANE Select); coding-DNA position 4, G replaced by T.
Protein change: p.Asp2Tyr; replaces aspartic acid 2 with tyrosine.
Molecular consequence: missense variant.
Genome position (GRCh38, 1-based): chr19:12,806,677, G>T. VCF-style: chr19-12806677-G-T. GRCh37 (hg19) VCF-style: chr19-12917491-G-T.
Other names: short protein forms D2Y.
Identifiers: ClinVar variation 2170239 (VCV002170239.2), dbSNP rs761331717, ClinGen allele CA9231706.

ClinVar aggregate classification (germline): Uncertain significance. Review status: criteria provided, multiple submitters, no conflicts (2 of 4 stars). 2 submissions from 2 submitters: Uncertain significance (2). Last evaluated 2022-08-02.

Conditions:
Aicardi-Goutieres syndrome 4. Identifiers: Orphanet 51, MedGen C1835912, MONDO:0012472, OMIM 610333.

Allele frequency attached by ClinVar (database versions not stated): ExAC 0.00004; gnomAD exomes below 0.00001; TOPMed below 0.00001; gnomAD 0.00001.
gnomAD v4.1: 11 of 1,574,708 alleles (0.0007%); highest among the groups gnomAD compares: Non-Finnish European, 0.0006%; 1 homozygote.

Submissions (2):

Labcorp Genetics (formerly Invitae), Labcorp
Classification: Uncertain significance for Aicardi-Goutieres syndrome 4. Last evaluated: 2022-08-02. Review status: criteria provided, single submitter. Criteria: Invitae Variant Classification Sherloc (09022015). Collection method: clinical testing. Allele origin: germline.
Comment: This sequence change replaces aspartic acid, which is acidic and polar, with tyrosine, which is neutral and polar, at codon 2 of the RNASEH2A protein (p.Asp2Tyr). The frequency data for this variant in the population databases is considered unreliable, as metrics indicate poor data quality at this position in the gnomAD database. This missense change has been observed in individual(s) with Aicardi-Goutieres syndrome (PMID: 20131292). Algorithms developed to predict the effect of missense changes on protein structure and function are either unavailable or do not agree on the potential impact of this missense change (SIFT: "Deleterious"; PolyPhen-2: "Probably Damaging"; Align-GVGD: "Class C0"). Algorithms developed to predict the effect of sequence changes on RNA splicing suggest that this variant may create or strengthen a splice site. In summary, the available evidence is currently insufficient to determine the role of this variant in disease. Therefore, it has been classified as a Variant of Uncertain Significance.

Blueprint Genetics
Classification: Uncertain significance. Last evaluated: 2020-12-30. Review status: criteria provided, single submitter. Criteria: ACMG Guidelines, 2015. Collection method: clinical testing. Allele origin: germline.

Literature cited by the submitters: PubMed 20131292 (cited by Labcorp Genetics (formerly Invitae), Labcorp).